The following is an entry in ClinVar:

ClinVar aggregate classification (germline): Pathogenic (1 of 4 stars; one submission).

Conditions:
Cardiovascular phenotype. Identifiers: MedGen CN230736.

Submission:

Ambry Genetics
Classification: Pathogenic for Cardiovascular phenotype. Last evaluated: 2026-01-30. Review status: criteria provided, single submitter. Criteria: Ambry Variant Classification Scheme 2023. Collection method: clinical testing. Allele origin: germline.
Comment: The c.4256delA (p.Q1419Rfs*55) alteration, located in exon 6 (coding exon 6) of the ALPK3 gene, consists of a deletion of one nucleotide at position 4256, causing a translational frameshift with a predicted alternate stop codon after 55 amino acids. This variant is expected to result in loss of function by premature protein truncation or nonsense-mediated mRNA decay. This variant was not reported in population-based cohorts in the Genome Aggregation Database (gnomAD). Based on the available evidence, this alteration is classified as pathogenic.

NM_020778.5(ALPK3):c.3650del (p.Gln1217fs)

Gene: ALPK3 (alpha kinase 3; plus strand). Cytogenetic location: 15q25.3.
Variant type: Deletion.
Coding change: c.3650del on transcript NM_020778.5 (MANE Select); coding-DNA position 3650, one base deleted (A; older notation c.3650delA).
Protein change: p.Gln1217fs; shifts the reading frame from glutamine 1217.
Molecular consequence: frameshift variant.
Genome position (GRCh38, 1-based): chr15:84,858,388, A deleted. VCF-style (leftmost placement, unchanged base first): chr15-84858387-CA-C. GRCh37 (hg19) VCF-style: chr15-85401618-CA-C.
Other names: short protein forms Q1217fs.
Identifiers: ClinVar variation 4839503 (VCV004839503.1).